The following is an entry in ClinVar:

ClinVar aggregate classification (germline): Uncertain significance (1 of 4 stars; one submission).

Conditions:
Fanconi renotubular syndrome 3 (FRTS3). Identifiers: MedGen C3810100, MONDO:0014275, OMIM 615605.

Allele frequency attached by ClinVar (database versions not stated): gnomAD 0.00001; TOPMed 0.00002.
gnomAD v4.1: 8 of 1,613,908 alleles (0.0005%); highest among the groups gnomAD compares: Middle Eastern, 0.049%; no homozygotes.

Submission:

Laboratorio de Genetica e Diagnostico Molecular, Hospital Israelita Albert Einstein
Classification: Uncertain significance for Fanconi renotubular syndrome 3. Last evaluated: 2022-04-01. Review status: criteria provided, single submitter. Criteria: ACMG Guidelines, 2015. Collection method: clinical testing. Allele origin: germline. Affected: yes. Observed: 1 variant allele.
Comment: ACMG classification criteria: PM2 moderated

NM_001966.4(EHHADH):c.42C>G (p.Ile14Met)

Gene: EHHADH (enoyl-CoA hydratase and 3-hydroxyacyl CoA dehydrogenase; minus strand). Cytogenetic location: 3q27.2.
Variant type: single nucleotide variant.
Coding change: c.42C>G on transcript NM_001966.4 (MANE Select); coding-DNA position 42, C replaced by G.
Protein change: p.Ile14Met; replaces isoleucine 14 with methionine.
Molecular consequence: missense variant. On other transcripts: 5 prime UTR variant (1).
Genome position (GRCh38, 1-based): chr3:185,253,981, G>C on the plus strand (C>G on the coding strand, the complement: EHHADH is on the minus strand). VCF-style: chr3-185253981-G-C. GRCh37 (hg19) VCF-style: chr3-184971769-G-C.
Other names: c.-370C>G (NM_001166415.2); short protein forms I14M.
Identifiers: ClinVar variation 2431818 (VCV002431818.1), dbSNP rs984525668, ClinGen allele CA89521500.